The following is an entry in ClinVar:

NM_033380.3(COL4A5):c.134G>A (p.Gly45Glu)

Gene: COL4A5 (collagen type IV alpha 5 chain; plus strand). Cytogenetic location: Xq22.3.
Variant type: single nucleotide variant.
Coding change: c.134G>A on transcript NM_033380.3 (MANE Select); coding-DNA position 134, G replaced by A.
Protein change: p.Gly45Glu; replaces glycine 45 with glutamic acid.
Molecular consequence: missense variant.
Genome position (GRCh38, 1-based): chrX:108,539,798, G>A. VCF-style: chrX-108539798-G-A. GRCh37 (hg19) VCF-style: chrX-107783028-G-A.
Other names: c.134G>A, p.Gly45Glu (NM_000495.5); short protein forms G45E.
Identifiers: ClinVar variation 2185295 (VCV002185295.7), dbSNP rs2524082406, ClinGen allele CA413908902.

ClinVar aggregate classification (germline): Conflicting classifications of pathogenicity. Review status: criteria provided, conflicting classifications (1 of 4 stars). 3 submissions from 3 submitters: Likely pathogenic (2); Uncertain significance (1). Last evaluated 2026-06-15.

Conditions:
X-linked Alport syndrome (ATS1). Also called: NEPHROPATHY AND DEAFNESS, X-LINKED; COL4A5-Related Nephropathy. Identifiers: Orphanet 63, Orphanet 88917, MedGen C4746986, MONDO:0010520, OMIM 301050.

Allele frequency attached by ClinVar (database versions not stated): gnomAD exomes below 0.00001.
gnomAD v4.1: 2 of 1,202,815 alleles (0.00017%); highest among the groups gnomAD compares: Non-Finnish European, 0.00011%; no homozygotes.

Submissions (3):

Women's Health and Genetics/Laboratory Corporation of America, LabCorp
Classification: Likely pathogenic for X-linked Alport syndrome. Last evaluated: 2026-06-15. Review status: criteria provided, single submitter. Criteria: LabCorp Variant Classification Summary - May 2015. Collection method: clinical testing. Allele origin: germline.
Comment: Variant summary: COL4A5 c.134G>A (p.Gly45Glu) results in a non-conservative amino acid change in the encoded protein sequence. The variant lies within the non-collagenous domain (IPR001442) of the encoded protein sequence. Cysteine residues in the non-collagenous domain COL4A5 are critical for function, and variants affecting these cysteine residues are significantly enriched in individuals with Alport syndrome (PMID: 33854215). Algorithms developed to predict the effect of missense changes on protein structure and function all suggest that this variant is likely to be disruptive. The variant was absent in 182638 control chromosomes. To our knowledge, no occurrence of c.134G>A in individuals affected with COL4A5-related conditions and no experimental evidence demonstrating its impact on protein function have been reported. ClinVar contains an entry for this variant (Variation ID: 2185295). Based on the evidence outlined above, the variant was classified as likely pathogenic.

Dasa
Classification: Uncertain significance. Last evaluated: 2026-02-18. Review status: criteria provided, single submitter. Criteria: DASA Assertion Criteria. Collection method: clinical testing. Allele origin: germline.
Comment: NM_033380.3(COL4A5):c.134G>A (p.Gly45Glu) is a missense variant that results in the substitution of glycine with glutamic acid. The affected residue or protein region has prior evidence supporting clinical relevance. This variant is rare in population databases. Computational prediction algorithms are consistent with a deleterious effect. The currently available literature and clinical evidence are not sufficient to establish a definitive association between this variant and the reported condition. Therefore, this variant is classified as a variant of uncertain significance.

Labcorp Genetics (formerly Invitae), Labcorp
Classification: Likely pathogenic. Last evaluated: 2022-07-22. Review status: criteria provided, single submitter. Criteria: Invitae Variant Classification Sherloc (09022015). Collection method: clinical testing. Allele origin: germline.
Comment: This variant disrupts the triple helix domain of COL4A5. Glycine residues within the Gly-Xaa-Yaa repeats of the triple helix domain are required for the structure and stability of fibrillar collagens (PMID: 7695699, 8218237, 19344236). In COL4A5, missense variants at these glycine residues are significantly enriched in individuals with disease (PMID: 23720012, 27627812) compared to the general population (ExAC). This sequence change replaces glycine, which is neutral and non-polar, with glutamic acid, which is acidic and polar, at codon 45 of the COL4A5 protein (p.Gly45Glu). This variant is not present in population databases (gnomAD no frequency). This variant has not been reported in the literature in individuals affected with COL4A5-related conditions. Algorithms developed to predict the effect of missense changes on protein structure and function are either unavailable or do not agree on the potential impact of this missense change (SIFT: "Deleterious"; PolyPhen-2: "Not Available"; Align-GVGD: "Class C0"). In summary, the currently available evidence indicates that the variant is pathogenic, but additional data are needed to prove that conclusively. Therefore, this variant has been classified as Likely Pathogenic.

Literature cited by the submitters: PubMed 7695699 (cited by Labcorp Genetics (formerly Invitae), Labcorp); PubMed 8218237 (cited by Labcorp Genetics (formerly Invitae), Labcorp); PubMed 19344236 (cited by Labcorp Genetics (formerly Invitae), Labcorp); PubMed 23720012 (cited by Labcorp Genetics (formerly Invitae), Labcorp); PubMed 27627812 (cited by Labcorp Genetics (formerly Invitae), Labcorp).